The following is an entry in ClinVar:

NM_032603.5(LOXL3):c.1957G>A (p.Glu653Lys)

Gene: LOXL3 (lysyl oxidase like 3; minus strand). Cytogenetic location: 2p13.1.
Variant type: single nucleotide variant.
Coding change: c.1957G>A on transcript NM_032603.5 (MANE Select); coding-DNA position 1957, G replaced by A.
Protein change: p.Glu653Lys; replaces glutamic acid 653 with lysine.
Molecular consequence: missense variant.
Genome position (GRCh38, 1-based): chr2:74,534,219, C>T on the plus strand (G>A on the coding strand, the complement: LOXL3 is on the minus strand). VCF-style: chr2-74534219-C-T. GRCh37 (hg19) VCF-style: chr2-74761346-C-T.
Other names: c.1522G>A, p.Glu508Lys (NM_001289164.3); c.874G>A, p.Glu292Lys (NM_001289165.2); short protein forms E653K, E508K, E292K.
Identifiers: ClinVar variation 3017835 (VCV003017835.1), dbSNP rs768559100, ClinGen allele CA1728739.

ClinVar aggregate classification (germline): Uncertain significance (1 of 4 stars; one submission).

Allele frequency attached by ClinVar (database versions not stated): ExAC 0.00001; gnomAD exomes 0.00001.
gnomAD v4.1: 4 of 1,614,220 alleles (0.00025%); highest among the groups gnomAD compares: Non-Finnish European, 0.000085%; no homozygotes.

Submission:

Labcorp Genetics (formerly Invitae), Labcorp
Classification: Uncertain significance. Last evaluated: 2023-09-10. Review status: criteria provided, single submitter. Criteria: Invitae Variant Classification Sherloc (09022015). Collection method: clinical testing. Allele origin: germline.
Comment: This sequence change replaces glutamic acid, which is acidic and polar, with lysine, which is basic and polar, at codon 653 of the LOXL3 protein (p.Glu653Lys). This variant is present in population databases (rs768559100, gnomAD 0.02%). This variant has not been reported in the literature in individuals affected with LOXL3-related conditions. An algorithm developed to predict the effect of missense changes on protein structure and function (PolyPhen-2) suggests that this variant¬†is likely to be tolerated. In summary, the available evidence is currently insufficient to determine the role of this variant in disease. Therefore, it has been classified as a Variant of Uncertain Significance.